The following is an entry in ClinVar:

ClinVar aggregate classification (germline): Uncertain significance (1 of 4 stars; one submission).

Submission:

Labcorp Genetics (formerly Invitae), Labcorp
Classification: Uncertain significance. Last evaluated: 2022-09-07. Review status: criteria provided, single submitter. Criteria: Invitae Variant Classification Sherloc (09022015). Collection method: clinical testing. Allele origin: germline.
Comment: Algorithms developed to predict the effect of missense changes on protein structure and function are either unavailable or do not agree on the potential impact of this missense change (SIFT: "Tolerated"; PolyPhen-2: "Possibly Damaging"; Align-GVGD: "Class C0"). In summary, the available evidence is currently insufficient to determine the role of this variant in disease. Therefore, it has been classified as a Variant of Uncertain Significance. ClinVar contains an entry for this variant (Variation ID: 1682586). This variant has not been reported in the literature in individuals affected with SEPT9-related conditions. This variant is not present in population databases (gnomAD no frequency). This sequence change replaces serine, which is neutral and polar, with arginine, which is basic and polar, at codon 64 of the SEPT9 protein (p.Ser64Arg).

NM_001113491.2(SEPTIN9):c.246C>A (p.Ser82Arg)

Gene: SEPTIN9 (septin 9; plus strand). Cytogenetic location: 17q25.3.
Variant type: single nucleotide variant.
Coding change: c.246C>A on transcript NM_001113491.2 (MANE Select); coding-DNA position 246, C replaced by A.
Protein change: p.Ser82Arg; replaces serine 82 with arginine.
Molecular consequence: missense variant. On other transcripts: 5 prime UTR variant (2).
Genome position (GRCh38, 1-based): chr17:77,402,228, C>A. VCF-style: chr17-77402228-C-A. GRCh37 (hg19) VCF-style: chr17-75398310-C-A.
Other names: c.-247C>A (NM_001113492.2, NM_001113494.1); c.225C>A, p.Ser75Arg (NM_001113493.2); c.189C>A, p.Ser63Arg (NM_001293695.2); c.192C>A, p.Ser64Arg (NM_006640.5); short protein forms S63R, S64R, S75R, S82R.
Identifiers: ClinVar variation 1682586 (VCV001682586.7), dbSNP rs2144098737, ClinGen allele CA401205787.